The following is an entry in ClinVar:

ClinVar aggregate classification (germline): Conflicting classifications of pathogenicity. Review status: criteria provided, conflicting classifications (1 of 4 stars). 7 submissions from 7 submitters: Likely pathogenic (4); Uncertain significance (3). Last evaluated 2026-06-20.

Conditions:
GCDH-related disorder. Also called: GCDH-related condition.
Glutaric aciduria, type 1. Also called: Glutaric Acidemia Type 1; GA I; Glutaryl-CoA dehydrogenase deficiency; Glutaric acidemia type I; Glutaricacidemia Type 1; Glutaricaciduria, type I. Identifiers: Orphanet 25, MedGen C0268595, MONDO:0009281, OMIM 231670.

Allele frequency attached by ClinVar (database versions not stated): TOPMed 0.00002; gnomAD 0.00010.

Submissions (7):

Myriad Genetics, Inc.
Classification: Uncertain significance for Glutaric aciduria, type 1. Last evaluated: 2026-06-20. Review status: criteria provided, single submitter. Criteria: Myriad Autosomal Dominant, Autosomal Recessive and X-Linked Classification Criteria (2023). Collection method: clinical testing. Allele origin: unknown.
Comment: NM_000159.2(GCDH):c.510G>C(K170N) is a missense variant classified as a variant of uncertain significance in the context of glutaric acidemia, GCDH-related. K170N has been observed in a case with relevant disease (PMID: 34207159, 29665094). Relevant functional assessments of this variant are available in the literature (PMID: 37078465). K170N has been observed in referenced population frequency databases. In summary, there is insufficient evidence to classify NM_000159.2(GCDH):c.510G>C(K170N) as pathogenic or benign. Please note: this variant was assessed in the context of healthy population screening.

Natera, Inc.
Classification: Likely pathogenic for Glutaric acidemia type 1. Last evaluated: 2025-08-20. Review status: criteria provided, single submitter. Criteria: Natera Variant Classification Schema (03/2026). Collection method: clinical testing. Allele origin: germline.
Comment: The c.510G>C variant in GCDH is a missense variant predicted to cause substitution of lysine to asparagine at amino acid 170. This variant is rare in the general population with a frequency below the threshold expected for the associated phenotype(s). This variant has been observed in one or more individuals affected with the associated recessive disease, as either homozygous or compound heterozygous with a second variant (PMID: 34207159, 29665094). A different variant at the same position has been determined to be Pathogenic or Likely Pathogenic. Computational prediction algorithms indicate this variant is likely to affect gene or protein function. Given the available evidence, this variant is classified as Likely Pathogenic.

Women's Health and Genetics/Laboratory Corporation of America, LabCorp
Classification: Likely pathogenic for Glutaric aciduria, type 1. Last evaluated: 2025-08-15. Review status: criteria provided, single submitter. Criteria: LabCorp Variant Classification Summary - May 2015. Collection method: clinical testing. Allele origin: germline.
Comment: Variant summary: GCDH c.510G>C (p.Lys170Asn) results in a non-conservative amino acid change located in the Acyl-CoA dehydrogenase/oxidase, N-terminal domain (IPR013786) of the encoded protein sequence. Algorithms developed to predict the effect of missense changes on protein structure and function all suggest that this variant is likely to be disruptive. The variant allele was found at a frequency of 1.6e-05 in 251158 control chromosomes (gnomAD). c.510G>C has been observed in two unrelated compound heterozygous individuals affected with Glutaric Acidemia Type 1 (Boy_2018, Spenger_2021). These data indicate that the variant may be associated with disease. At least one publication reports experimental evidence evaluating an impact on protein function. The most pronounced variant effect results in ~59% of normal activity (Yuan_2023). The following publications have been ascertained in the context of this evaluation (PMID: 29665094, 34207159, 37078465). ClinVar contains an entry for this variant (Variation ID: 665742). Based on the evidence outlined above, the variant was classified as likely pathogenic.

Blueprint Genetics
Classification: Likely pathogenic for GCDH-related disorders. Last evaluated: 2024-04-11. Review status: criteria provided, single submitter. Criteria: ACMG Guidelines, 2015. Collection method: clinical testing. Allele origin: germline. Affected: yes. Observed: 2 variant alleles.

Labcorp Genetics (formerly Invitae), Labcorp
Classification: Likely pathogenic for Glutaric aciduria, type 1. Last evaluated: 2024-01-13. Review status: criteria provided, single submitter. Criteria: Invitae Variant Classification Sherloc (09022015). Collection method: clinical testing. Allele origin: germline.
Comment: This sequence change replaces lysine, which is basic and polar, with asparagine, which is neutral and polar, at codon 170 of the GCDH protein (p.Lys170Asn). This variant is present in population databases (rs200785120, gnomAD 0.01%). This missense change has been observed in individual(s) with glutaric acidemia type I (PMID: 29665094, 34207159). ClinVar contains an entry for this variant (Variation ID: 665742). Advanced modeling of protein sequence and biophysical properties (such as structural, functional, and spatial information, amino acid conservation, physicochemical variation, residue mobility, and thermodynamic stability) performed at Invitae indicates that this missense variant is not expected to disrupt GCDH protein function with a negative predictive value of 80%. In summary, the currently available evidence indicates that the variant is pathogenic, but additional data are needed to prove that conclusively. Therefore, this variant has been classified as Likely Pathogenic.

Department of Pathology and Laboratory Medicine, Sinai Health System
Classification: Uncertain significance for Glutaric aciduria, type 1. Last evaluated: 2023-01-24. Review status: criteria provided, single submitter. Criteria: ACMG Guidelines, 2015. Collection method: research. Allele origin: germline.

Fulgent Genetics
Classification: Uncertain significance for Glutaric aciduria, type 1. Last evaluated: 2021-08-15. Review status: criteria provided, single submitter. Criteria: ACMG Guidelines, 2015. Collection method: clinical testing. Allele origin: unknown.

Literature cited by the submitters: PubMed 29665094 (cited by 4 submitters); PubMed 34207159 (cited by 4 submitters); PubMed 37078465 (cited by Myriad Genetics, Inc. and Women's Health and Genetics/Laboratory Corporation of America, LabCorp).

NM_000159.4(GCDH):c.510G>C (p.Lys170Asn)

Gene: GCDH (glutaryl-CoA dehydrogenase; plus strand). Cytogenetic location: 19p13.13.
Variant type: single nucleotide variant.
Coding change: c.510G>C on transcript NM_000159.4 (MANE Select); coding-DNA position 510, G replaced by C.
Protein change: p.Lys170Asn; replaces lysine 170 with asparagine.
Molecular consequence: missense variant. On other transcripts: non-coding transcript variant (2).
Genome position (GRCh38, 1-based): chr19:12,895,996, G>C. VCF-style: chr19-12895996-G-C. GRCh37 (hg19) VCF-style: chr19-13006810-G-C.
Other names: c.510G>C, p.Lys170Asn (NM_013976.5); short protein forms K170N.
Identifiers: ClinVar variation 665742 (VCV000665742.20), dbSNP rs200785120, ClinGen allele CA9234419.